The following is an entry in ClinVar:

ClinVar aggregate classification (germline): Pathogenic (1 of 4 stars; one submission).

Conditions:
Neurodevelopmental disorder with hypotonia, stereotypic hand movements, and impaired language. Also called: Intellectual disability, autosomal dominant 20. Identifiers: Orphanet 228384, Orphanet 664410, MedGen C3150700, MONDO:0013266, OMIM 613443.

Submission:

Kasturba Medical College, Manipal, Kasturba Medical College, Manipal, Manipal Academy of Higher Education, Manipal, India
Classification: Pathogenic for Neurodevelopmental disorder with hypotonia, stereotypic hand movements, and impaired language. Review status: criteria provided, single submitter. Criteria: ACMG Guidelines, 2015. Collection method: clinical testing. Allele origin: de novo. Inheritance: Autosomal dominant inheritance. Affected: yes. Observed: 1 heterozygote.
Comment: The 5q14.3 microdeletion syndrome encompassing the MEF2C gene has been reported in individuals with severe intellectual disability with stereotypic movements, epilepsy and/or cerebral malformations earlier (Le Meur et al. 2010).

Single allele

Genes: MEF2C (myocyte enhancer factor 2C; minus strand), LOC129994183 (ATAC-STARR-seq lymphoblastoid active region 22763; plus strand), LOC129994184 (ATAC-STARR-seq lymphoblastoid active region 22764; plus strand). Cytogenetic location: 5q14.3.
Variant type: Deletion.
Identifiers: ClinVar variation 3256134 (VCV003256134.2).